The following is an entry in ClinVar:

ClinVar aggregate classification (germline): Uncertain significance (1 of 4 stars; one submission).

Conditions:
POLD1-related polyposis and colorectal cancer syndrome (CRCS10). Also called: Colorectal cancer, susceptibility to, 10; Colorectal cancer 10; COLORECTAL CANCER, SUSCEPTIBILITY TO, ON CHROMOSOME 19q. Identifiers: Orphanet 220460, MedGen C2675481, MONDO:0012953, OMIM 612591.

Submission:

Labcorp Genetics (formerly Invitae), Labcorp
Classification: Uncertain significance for POLD1-related polyposis and colorectal cancer syndrome. Last evaluated: 2021-05-31. Review status: criteria provided, single submitter. Criteria: Invitae Variant Classification Sherloc (09022015). Collection method: clinical testing. Allele origin: germline.
Comment: Missense variants that disrupt the 3'-5' exonuclease (proof-reading) activity of the POLD1 protein are associated with an increased risk for colonic adenomatous polyps and colon cancer (PMID: 23263490, 23447401). However, loss-of-function variants which result in an absent or severely disrupted POLD1 protein, and missense variants outside the exonuclease domain, are unlikely to be associated with polyposis or colon cancer. Without further clinical and genetic evidence, this variant has been classified as a Variant of Uncertain Significance. This sequence change creates a premature translational stop signal (p.Arg985Profs*66) in the POLD1 gene. It is expected to result in an absent or disrupted protein product. This variant is not present in population databases (ExAC no frequency). This variant has not been reported in the literature in individuals with POLD1-related conditions. Algorithms developed to predict the effect of sequence changes on RNA splicing suggest that this variant may create or strengthen a splice site, but this prediction has not been confirmed by published transcriptional studies.

Literature cited by the submitters: PubMed 23263490; PubMed 23447401.

NM_002691.4(POLD1):c.2937_2953dup (p.Arg985fs)

Gene: POLD1 (DNA polymerase delta 1, catalytic subunit; plus strand). Cytogenetic location: 19q13.33.
Variant type: Duplication.
Coding change: c.2937_2953dup on transcript NM_002691.4 (MANE Select); coding-DNA positions 2937 to 2953, 17 bases duplicated (CGAGGCTGTGCTACTGC).
Protein change: p.Arg985fs; shifts the reading frame from arginine 985.
Molecular consequence: frameshift variant. On other transcripts: non-coding transcript variant (1).
Genome position (GRCh38, 1-based): chr19:50,416,512-50,416,528, CGAGGCTGTGCTACTGC duplicated; duplicating any 17 consecutive bases within chr19:50,416,509-50,416,528 gives the same sequence; the c. name uses the placement nearest the transcript's 3' end. VCF-style (leftmost placement, unchanged base first): chr19-50416508-G-GTGCCGAGGCTGTGCTAC. GRCh37 (hg19) VCF-style: chr19-50919765-G-GTGCCGAGGCTGTGCTAC.
Other names: c.2937_2953dup, p.Arg985fs (NM_001256849.1); c.3015_3031dup, p.Arg1011fs (NM_001308632.1); short protein forms R985fs, R1011fs.
Identifiers: ClinVar variation 1357648 (VCV001357648.8), dbSNP rs2122492369, ClinGen allele CA2573156754.